The following is an entry in ClinVar:

NM_003062.4(SLIT3):c.4071A>G (p.Pro1357=)

Gene: SLIT3 (slit guidance ligand 3; minus strand). Cytogenetic location: 5q34.
Variant type: single nucleotide variant.
Coding change: c.4071A>G on transcript NM_003062.4 (MANE Select); coding-DNA position 4071, A replaced by G.
Protein change: p.Pro1357=; no amino-acid change (proline 1357 retained).
Molecular consequence: synonymous variant.
Genome position (GRCh38, 1-based): chr5:168,671,254, T>C on the plus strand (A>G on the coding strand, the complement: SLIT3 is on the minus strand). VCF-style: chr5-168671254-T-C. GRCh37 (hg19) VCF-style: chr5-168098259-T-C.
Other names: c.4092A>G, p.Pro1364= (NM_001271946.2).
Identifiers: ClinVar variation 4533506 (VCV004533506.6).

ClinVar aggregate classification (germline): Likely benign (1 of 4 stars; one submission).

gnomAD v4.1: 634 of 1,613,382 alleles (0.039%); highest among the groups gnomAD compares: African/African-American, 0.73%; 3 homozygotes.

Submission:

CeGaT Center for Human Genetics Tuebingen
Classification: Likely benign. Last evaluated: 2025-11-01. Review status: criteria provided, single submitter. Criteria: CeGaT Center For Human Genetics Tuebingen Variant Classification Criteria Version 2. Collection method: clinical testing. Allele origin: germline. Affected: yes. Observed: 1 variant allele.
Comment: SLIT3: BP4, BP7